The following is an entry in ClinVar:

ClinVar aggregate classification (germline): Uncertain significance (1 of 4 stars; one submission).

Conditions:
Severe early-onset pulmonary alveolar proteinosis due to MARS deficiency. Also called: PULMONARY ALVEOLAR PROTEINOSIS, REUNION ISLAND; Interstitial lung and liver disease. Identifiers: Orphanet 440427, MedGen C4225400, MONDO:0014206, OMIM 615486.
Charcot-Marie-Tooth disease axonal type 2U. Also called: CHARCOT-MARIE-TOOTH NEUROPATHY, TYPE 2U; CHARCOT-MARIE-TOOTH DISEASE, AXONAL, AUTOSOMAL DOMINANT, TYPE 2U. Identifiers: Orphanet 397735, MedGen C4084821, MONDO:0014566, OMIM 616280.

Submission:

Labcorp Genetics (formerly Invitae), Labcorp
Classification: Uncertain significance for Charcot-Marie-Tooth disease axonal type 2U; Severe early-onset pulmonary alveolar proteinosis due to MARS deficiency. Last evaluated: 2021-08-01. Review status: criteria provided, single submitter. Criteria: Invitae Variant Classification Sherloc (09022015). Collection method: clinical testing. Allele origin: germline.
Comment: Algorithms developed to predict the effect of missense changes on protein structure and function (SIFT, PolyPhen-2, Align-GVGD) all suggest that this variant is likely to be disruptive. In summary, the available evidence is currently insufficient to determine the role of this variant in disease. Therefore, it has been classified as a Variant of Uncertain Significance. Algorithms developed to predict the effect of sequence changes on RNA splicing suggest that this variant may create or strengthen a splice site. This variant has not been reported in the literature in individuals affected with MARS-related conditions. This variant is not present in population databases (ExAC no frequency). This sequence change replaces leucine with valine at codon 424 of the MARS protein (p.Leu424Val). The leucine residue is highly conserved and there is a small physicochemical difference between leucine and valine.

NM_004990.4(MARS1):c.1270C>G (p.Leu424Val)

Gene: MARS1 (methionyl-tRNA synthetase 1; plus strand). Cytogenetic location: 12q13.3.
Variant type: single nucleotide variant.
Coding change: c.1270C>G on transcript NM_004990.4 (MANE Select); coding-DNA position 1270, C replaced by G.
Protein change: p.Leu424Val; replaces leucine 424 with valine.
Molecular consequence: missense variant.
Genome position (GRCh38, 1-based): chr12:57,500,499, C>G. VCF-style: chr12-57500499-C-G. GRCh37 (hg19) VCF-style: chr12-57894282-C-G.
Other names: short protein forms L424V.
Identifiers: ClinVar variation 1681723 (VCV001681723.6), dbSNP rs2140019644, ClinGen allele CA385458483.